The following is an entry in ClinVar:

NM_015932.6(POMP):c.17T>C (p.Leu6Pro)

Gene: POMP (proteasome maturation protein; plus strand). Cytogenetic location: 13q12.3.
Variant type: single nucleotide variant.
Coding change: c.17T>C on transcript NM_015932.6 (MANE Select); coding-DNA position 17, T replaced by C.
Protein change: p.Leu6Pro; replaces leucine 6 with proline.
Molecular consequence: missense variant.
Genome position (GRCh38, 1-based): chr13:28,662,423, T>C. VCF-style: chr13-28662423-T-C. GRCh37 (hg19) VCF-style: chr13-29236560-T-C.
Other names: short protein forms L6P.
Identifiers: ClinVar variation 2298190 (VCV002298190.5), dbSNP rs1270877972, ClinGen allele CA387802077.

ClinVar aggregate classification (germline): Uncertain significance. Review status: criteria provided, multiple submitters, no conflicts (2 of 4 stars). 2 submissions from 2 submitters: Uncertain significance (2). Last evaluated 2025-10-05.

Conditions:
Inborn genetic diseases. Identifiers: MedGen C0950123, MeSH D030342.

Submissions (2):

Labcorp Genetics (formerly Invitae), Labcorp
Classification: Uncertain significance. Last evaluated: 2025-10-05. Review status: criteria provided, single submitter. Criteria: Invitae Variant Classification Sherloc (09022015). Collection method: clinical testing. Allele origin: germline.
Comment: This sequence change replaces leucine, which is neutral and non-polar, with proline, which is neutral and non-polar, at codon 6 of the POMP protein (p.Leu6Pro). This variant is not present in population databases (gnomAD no frequency). This variant has not been reported in the literature in individuals affected with POMP-related conditions. ClinVar contains an entry for this variant (Variation ID: 2298190). An algorithm developed to predict the effect of missense changes on protein structure and function (PolyPhen-2) suggests that this variant is likely to be disruptive. In summary, the available evidence is currently insufficient to determine the role of this variant in disease. Therefore, it has been classified as a Variant of Uncertain Significance.

Ambry Genetics
Classification: Uncertain significance for Inborn genetic diseases. Last evaluated: 2022-06-28. Review status: criteria provided, single submitter. Criteria: Ambry Variant Classification Scheme 2023. Collection method: clinical testing. Allele origin: germline.